The following is an entry in ClinVar:

NM_001127222.2(CACNA1A):c.5995G>C (p.Gly1999Arg)

Gene: CACNA1A (calcium voltage-gated channel subunit alpha1 A; minus strand). Cytogenetic location: 19p13.13.
Variant type: single nucleotide variant.
Coding change: c.5995G>C on transcript NM_001127222.2 (MANE Select); coding-DNA position 5995, G replaced by C.
Protein change: p.Gly1999Arg; replaces glycine 1999 with arginine.
Molecular consequence: missense variant.
Genome position (GRCh38, 1-based): chr19:13,212,686, C>G on the plus strand (G>C on the coding strand, the complement: CACNA1A is on the minus strand). VCF-style: chr19-13212686-C-G. GRCh37 (hg19) VCF-style: chr19-13323500-C-G.
Other names: c.6013G>C, p.Gly2005Arg (NM_000068.4, NM_023035.3); c.5998G>C, p.Gly2000Arg (NM_001127221.2); c.6004G>C, p.Gly2002Arg (NM_001174080.2); short protein forms G1999R, G2002R, G2005R, G2000R.
Identifiers: ClinVar variation 2552784 (VCV002552784.27), dbSNP rs1314467957, ClinGen allele CA404333511.

ClinVar aggregate classification (germline): Uncertain significance. Review status: criteria provided, multiple submitters, no conflicts (2 of 4 stars). 3 submissions from 3 submitters: Uncertain significance (3). Last evaluated 2023-08-01.

Conditions:
Inborn genetic diseases. Identifiers: MedGen C0950123, MeSH D030342.

gnomAD v4.1: 1 of 1,510,854 alleles (0.000066%); highest among the groups gnomAD compares: East Asian, 0.0023%; no homozygotes.

Submissions (3):

CeGaT Center for Human Genetics Tuebingen
Classification: Uncertain significance. Last evaluated: 2023-08-01. Review status: criteria provided, single submitter. Criteria: CeGaT Center For Human Genetics Tuebingen Variant Classification Criteria Version 2. Collection method: clinical testing. Allele origin: germline. Affected: yes. Observed: 1 variant allele.
Comment: CACNA1A: PM2

GeneDx
Classification: Uncertain significance. Last evaluated: 2023-06-14. Review status: criteria provided, single submitter. Criteria: GeneDx Variant Classification Process June 2021. Collection method: clinical testing. Allele origin: germline. Affected: yes.
Comment: Not observed at significant frequency in large population cohorts (gnomAD); In silico analysis supports that this missense variant has a deleterious effect on protein structure/function; Has not been previously published as pathogenic or benign to our knowledge

Ambry Genetics
Classification: Uncertain significance for Inborn genetic diseases. Last evaluated: 2023-05-30. Review status: criteria provided, single submitter. Criteria: Ambry Variant Classification Scheme 2023. Collection method: clinical testing. Allele origin: germline.